The following is an entry in ClinVar:

NM_018426.3(TMEM63B):c.1053G>A (p.Lys351=)

Gene: TMEM63B (transmembrane protein 63B; plus strand). Cytogenetic location: 6p21.1.
Variant type: single nucleotide variant.
Coding change: c.1053G>A on transcript NM_018426.3 (MANE Select); coding-DNA position 1053, G replaced by A.
Protein change: p.Lys351=; no amino-acid change (lysine 351 retained).
Molecular consequence: synonymous variant.
Genome position (GRCh38, 1-based): chr6:44,148,317, G>A. VCF-style: chr6-44148317-G-A. GRCh37 (hg19) VCF-style: chr6-44116054-G-A.
Other names: c.1053G>A, p.Lys351= (NM_001318792.1).
Identifiers: ClinVar variation 4681456 (VCV004681456.5).
Genomic context (GRCh38, chr6:44,148,317, plus strand): 5'-GGCCATTGAGTACTACACAAAGCTGGAGCAGAAGCTGAAGGAAGACTACAAGCGGGAGAA[G>A]GAGAAGGTGAATGAGAAGCCTCTTGGCATGGCCTTTGTCACCTTCCACAATGAGACTATC-3'
Protein context (NP_060896.1, residues 341-361): QKLKEDYKRE[Lys351=]EKVNEKPLGM

ClinVar aggregate classification (germline): Likely benign (1 of 4 stars; one submission).

gnomAD v4.1: 54 of 1,614,252 alleles (0.0033%); highest among the groups gnomAD compares: South Asian, 0.035%; no homozygotes.

Submission:

CeGaT Center for Human Genetics Tuebingen
Classification: Likely benign. Last evaluated: 2025-12-01. Review status: criteria provided, single submitter. Criteria: CeGaT Center For Human Genetics Tuebingen Variant Classification Criteria Version 2. Collection method: clinical testing. Allele origin: germline. Affected: yes. Observed: 1 variant allele.
Comment: TMEM63B: BP4, BP7